The following is an entry in ClinVar:

ClinVar aggregate classification (germline): Conflicting classifications of pathogenicity. Review status: criteria provided, conflicting classifications (1 of 4 stars). 4 submissions from 4 submitters: Uncertain significance (1); Likely benign (3). Last evaluated 2026-04-21.

Conditions:
ABCC2-related disorder. Also called: ABCC2-related condition.

Allele frequency attached by ClinVar (database versions not stated): ExAC 0.00001.
gnomAD v4.1: 16 of 1,613,944 alleles (0.00099%); highest among the groups gnomAD compares: Admixed American, 0.0033%; no homozygotes.

Submissions (4):

PreventionGenetics, part of Exact Sciences
Classification: Likely benign for ABCC2-related condition. Last evaluated: 2026-04-21. Review status: criteria provided, single submitter. Criteria: ACMG Guidelines, 2015. Collection method: clinical testing. Allele origin: germline.
Comment: This variant is classified as likely benign based on ACMG/AMP sequence variant interpretation guidelines (Richards et al. 2015 PMID: 25741868, with internal and published modifications).

Labcorp Genetics (formerly Invitae), Labcorp
Classification: Likely benign. Last evaluated: 2024-01-11. Review status: criteria provided, single submitter. Criteria: Invitae Variant Classification Sherloc (09022015). Collection method: clinical testing. Allele origin: germline.

Blueprint Genetics
Classification: Likely benign. Last evaluated: 2023-02-24. Review status: criteria provided, single submitter. Criteria: ACMG Guidelines, 2015. Collection method: clinical testing. Allele origin: germline.

Eurofins Ntd Llc (ga)
Classification: Uncertain significance. Last evaluated: 2018-06-19. Review status: criteria provided, single submitter. Criteria: EGL ClinVar v180209 classification definitions. Collection method: clinical testing. Allele origin: germline. Observed: 1 variant allele, 1 heterozygote.

NM_000392.5(ABCC2):c.417G>T (p.Ser139=)

Gene: ABCC2 (ATP binding cassette subfamily C member 2; plus strand). Cytogenetic location: 10q24.2.
Variant type: single nucleotide variant.
Coding change: c.417G>T on transcript NM_000392.5 (MANE Select); coding-DNA position 417, G replaced by T.
Protein change: p.Ser139=; no amino-acid change (serine 139 retained).
Molecular consequence: synonymous variant.
Genome position (GRCh38, 1-based): chr10:99,793,634, G>T. VCF-style: chr10-99793634-G-T. GRCh37 (hg19) VCF-style: chr10-101553391-G-T.
Other names: c.417G>T, p.Ser139= (LRG_1208t1); c.417G>T (NM_000392.4).
Identifiers: ClinVar variation 597677 (VCV000597677.10), dbSNP rs145350474, ClinGen allele CA5642877.